The following is an entry in ClinVar:

ClinVar aggregate classification (germline): Uncertain significance (1 of 4 stars; one submission).

Conditions:
Episodic kinesigenic dyskinesia (EKD). Also called: Paroxysmal kinesigenic dyskinesia. Identifiers: Orphanet 98809, MedGen C1868682, MONDO:0044202.

Allele frequency attached by ClinVar (database versions not stated): TOPMed below 0.00001.

Submission:

Labcorp Genetics (formerly Invitae), Labcorp
Classification: Uncertain significance for Episodic kinesigenic dyskinesia. Last evaluated: 2023-07-30. Review status: criteria provided, single submitter. Criteria: Invitae Variant Classification Sherloc (09022015). Collection method: clinical testing. Allele origin: germline.
Comment: In summary, the available evidence is currently insufficient to determine the role of this variant in disease. Therefore, it has been classified as a Variant of Uncertain Significance. Advanced modeling of protein sequence and biophysical properties (such as structural, functional, and spatial information, amino acid conservation, physicochemical variation, residue mobility, and thermodynamic stability) performed at Invitae indicates that this missense variant is not expected to disrupt PRRT2 protein function. This variant has not been reported in the literature in individuals affected with PRRT2-related conditions. This variant is not present in population databases (gnomAD no frequency). This sequence change replaces proline, which is neutral and non-polar, with arginine, which is basic and polar, at codon 25 of the PRRT2 protein (p.Pro25Arg).

NM_145239.3(PRRT2):c.74C>G (p.Pro25Arg)

Genes: MVP-DT (MVP divergent transcript; minus strand), PRRT2 (proline rich transmembrane protein 2; plus strand). Cytogenetic location: 16p11.2.
Variant type: single nucleotide variant.
Coding change: c.74C>G on transcript NM_145239.3 (MANE Select); coding-DNA position 74, C replaced by G.
Protein change: p.Pro25Arg; replaces proline 25 with arginine.
Molecular consequence: missense variant.
Genome position (GRCh38, 1-based): chr16:29,813,128, C>G. VCF-style: chr16-29813128-C-G. GRCh37 (hg19) VCF-style: chr16-29824449-C-G.
Other names: c.74C>G, p.Pro25Arg (NM_001256442.2, NM_001256443.2); short protein forms P25R.
Identifiers: ClinVar variation 2748399 (VCV002748399.3), dbSNP rs1267727472, ClinGen allele CA395477169.